The following is an entry in ClinVar:

NM_001401501.2(MUC16):c.42711C>T (p.Cys14237=)

Gene: MUC16 (mucin 16, cell surface associated; minus strand). Cytogenetic location: 19p13.2.
Variant type: single nucleotide variant.
Coding change: c.42711C>T on transcript NM_001401501.2 (MANE Select); coding-DNA position 42711, C replaced by T.
Protein change: p.Cys14237=; no amino-acid change (cysteine 14237 retained).
Molecular consequence: synonymous variant.
Genome position (GRCh38, 1-based): chr19:8,891,955, G>A on the plus strand (C>T on the coding strand, the complement: MUC16 is on the minus strand). VCF-style: chr19-8891955-G-A. GRCh37 (hg19) VCF-style: chr19-9002631-G-A.
Other names: c.43137C>T, p.Cys14379= (NM_001414686.1); c.42591C>T, p.Cys14197= (NM_001414687.1); c.40185C>T, p.Cys13395= (NM_024690.2).
Identifiers: ClinVar variation 3056989 (VCV003056989.2), dbSNP rs766280021, ClinGen allele CA9163526.

ClinVar aggregate classification (germline): Benign (0 of 4 stars; one submission).

Conditions:
MUC16-related disorder. Also called: MUC16-related condition.

Allele frequency attached by ClinVar (database versions not stated): 1000 Genomes Project 30x 0.04653; ExAC 0.36723.

Submission:

PreventionGenetics, part of Exact Sciences
Classification: Benign for MUC16-related condition. Last evaluated: 2019-03-01. Review status: no assertion criteria provided. Collection method: clinical testing. Allele origin: germline.
Comment: This variant is classified as benign based on ACMG/AMP sequence variant interpretation guidelines (Richards et al. 2015 PMID: 25741868, with internal and published modifications).